The following is an entry in ClinVar:

ClinVar aggregate classification (germline): Uncertain significance (1 of 4 stars; one submission).

Submission:

Ambry Genetics
Classification: Uncertain significance. Last evaluated: 2023-12-10. Review status: criteria provided, single submitter. Criteria: Ambry Variant Classification Scheme 2023. Collection method: clinical testing. Allele origin: germline.
Comment: The p.R48H variant (also known as c.143G>A), located in coding exon 1 of the EGLN1 gene, results from a G to A substitution at nucleotide position 143. The arginine at codon 48 is replaced by histidine, an amino acid with highly similar properties. This amino acid position is conserved. In addition, this alteration is predicted to be tolerated by in silico analysis. Since supporting evidence is limited at this time, the clinical significance of this alteration remains unclear.

NM_022051.3(EGLN1):c.143G>A (p.Arg48His)

Gene: EGLN1 (egl-9 family hypoxia inducible factor 1; minus strand). Cytogenetic location: 1q42.2.
Variant type: single nucleotide variant.
Coding change: c.143G>A on transcript NM_022051.3 (MANE Select); coding-DNA position 143, G replaced by A.
Protein change: p.Arg48His; replaces arginine 48 with histidine.
Molecular consequence: missense variant.
Genome position (GRCh38, 1-based): chr1:231,421,746, C>T on the plus strand (G>A on the coding strand, the complement: EGLN1 is on the minus strand). VCF-style: chr1-231421746-C-T. GRCh37 (hg19) VCF-style: chr1-231557492-C-T.
Other names: c.143G>A, p.Arg48His (NM_001377260.1, NM_001377261.1); short protein forms R48H.
Identifiers: ClinVar variation 3227695 (VCV003227695.1), dbSNP rs2527361663, ClinGen allele CA345238937.